The following is an entry in ClinVar:

ClinVar aggregate classification (germline): Pathogenic (1 of 4 stars; one submission).

Submission:

Labcorp Genetics (formerly Invitae), Labcorp
Classification: Pathogenic. Last evaluated: 2025-03-20. Review status: criteria provided, single submitter. Criteria: Invitae Variant Classification Sherloc (09022015). Collection method: clinical testing. Allele origin: germline.
Comment: This sequence change creates a premature translational stop signal (p.Leu881Serfs*38) in the SORL1 gene. It is expected to result in an absent or disrupted protein product. Loss-of-function variants in SORL1 are known to be pathogenic (PMID: 26303663, 27026413). This variant is not present in population databases (gnomAD no frequency). This variant has not been reported in the literature in individuals affected with SORL1-related conditions. For these reasons, this variant has been classified as Pathogenic.

Literature cited by the submitters: PubMed 26303663; PubMed 27026413.

NM_003105.6(SORL1):c.2639dup (p.Leu881fs)

Gene: SORL1 (sortilin related receptor 1; plus strand). Cytogenetic location: 11q24.1.
Variant type: Duplication.
Coding change: c.2639dup on transcript NM_003105.6 (MANE Select); coding-DNA position 2639, one base duplicated (C; older notation c.2639dupC).
Protein change: p.Leu881fs; shifts the reading frame from leucine 881.
Molecular consequence: frameshift variant.
Genome position (GRCh38, 1-based): chr11:121,557,381, C duplicated. VCF-style (leftmost placement, unchanged base first): chr11-121557380-G-GC. GRCh37 (hg19) VCF-style: chr11-121428089-G-GC.
Other names: short protein forms L881fs.
Identifiers: ClinVar variation 4715589 (VCV004715589.1).
Genomic context (GRCh38, chr11:121,557,380, plus strand): 5'-AATCCAGATGGCGACTTCCGACTCACAATCGTCAATTCCTCTGTGCTTGATCGTCCCAGG[G>GC]CTCTGGTCCTCGTGCCCCAAGAGGGGTAAGTGTTGCCCCAAAAGGAAATCAGTCTTGCGT-3'